The following is an entry in ClinVar:

ClinVar aggregate classification (germline): Benign (0 of 4 stars; one submission).

Conditions:
SNTG1-related disorder. Also called: SNTG1-related condition.

Allele frequency attached by ClinVar (database versions not stated): ExAC 0.00078; ESP Exome Variant Server 0.00254; gnomAD 0.00268; TOPMed 0.00310; 1000 Genomes Project 0.00339; 1000 Genomes Project 30x 0.00359.
gnomAD v4.1: 828 of 1,508,218 alleles (0.055%); highest among the groups gnomAD compares: African/African-American, 1%; 4 homozygotes.

Submission:

PreventionGenetics, part of Exact Sciences
Classification: Benign for SNTG1-related condition. Last evaluated: 2019-06-13. Review status: no assertion criteria provided. Collection method: clinical testing. Allele origin: germline.
Comment: This variant is classified as benign based on ACMG/AMP sequence variant interpretation guidelines (Richards et al. 2015 PMID: 25741868, with internal and published modifications).

NM_018967.5(SNTG1):c.1284+25G>T

Gene: SNTG1 (syntrophin gamma 1; plus strand). Cytogenetic location: 8q11.21.
Variant type: single nucleotide variant.
Coding change: c.1284+25G>T on transcript NM_018967.5 (MANE Select); 25 bases into the intron after coding-DNA position 1284, G replaced by T.
Molecular consequence: intron variant. On other transcripts: 3 prime UTR variant (4), non-coding transcript variant (1).
Genome position (GRCh38, 1-based): chr8:50,709,003, G>T. VCF-style: chr8-50709003-G-T. GRCh37 (hg19) VCF-style: chr8-51621563-G-T.
Other names: c.*1G>T (NM_001321775.2, NM_001321776.2, NM_001321777.2 and 1 more transcripts); c.1284+25G>T (NM_001287813.3, NM_001321773.2, NM_001287814.3).
Identifiers: ClinVar variation 3034445 (VCV003034445.2), dbSNP rs189682213, ClinGen allele CA4744335.